The following is an entry in ClinVar:

NM_207122.2(EXT2):c.1662G>C (p.Glu554Asp)

Gene: EXT2 (exostosin glycosyltransferase 2; plus strand). Cytogenetic location: 11p11.2.
Variant type: single nucleotide variant.
Coding change: c.1662G>C on transcript NM_207122.2 (MANE Select); coding-DNA position 1662, G replaced by C.
Protein change: p.Glu554Asp; replaces glutamic acid 554 with aspartic acid.
Molecular consequence: missense variant.
Genome position (GRCh38, 1-based): chr11:44,206,959, G>C. VCF-style: chr11-44206959-G-C. GRCh37 (hg19) VCF-style: chr11-44228509-G-C.
Other names: c.1761G>C, p.Glu587Asp (NM_000401.3); c.1692G>C, p.Glu564Asp (NM_001178083.3); c.1662G>C, p.Glu554Asp (NM_001389628.1, NM_001389630.1); short protein forms E554D, E587D, E564D.
Identifiers: ClinVar variation 1955066 (VCV001955066.5), dbSNP rs1319807150, ClinGen allele CA380181517.
Genomic context (GRCh38, chr11:44,206,959, plus strand): 5'-TCTGGCCATTGATGATGATATCATTATGCTGACCTCTGACGAGCTGCAATTTGGTTATGA[G>C]GTAAGGAGGTTTTACACAGTGTGTTTATATGTTTAATATTACTTCCTATGACTGCTTGTC-3'
Protein context (NP_997005.1, residues 544-564): LTSDELQFGY[Glu554Asp]VWREFPDRLV

ClinVar aggregate classification (germline): Uncertain significance (1 of 4 stars; one submission).

Conditions:
Exostoses, multiple, type 2 (EXT2). Also called: EXOSTOSES, MULTIPLE, TYPE II; Hereditary Multiple Osteochondromatosis, Type II. Identifiers: Orphanet 321, MedGen C1851413, MONDO:0007586, OMIM 133701.

Submission:

Labcorp Genetics (formerly Invitae), Labcorp
Classification: Uncertain significance for Exostoses, multiple, type 2. Last evaluated: 2022-10-08. Review status: criteria provided, single submitter. Criteria: Invitae Variant Classification Sherloc (09022015). Collection method: clinical testing. Allele origin: germline.
Comment: Variants that disrupt the consensus splice site are a relatively common cause of aberrant splicing (PMID: 17576681, 9536098). Algorithms developed to predict the effect of missense changes on protein structure and function are either unavailable or do not agree on the potential impact of this missense change (SIFT: "Deleterious"; PolyPhen-2: "Possibly Damaging"; Align-GVGD: "Class C0"). This variant has not been reported in the literature in individuals affected with EXT2-related conditions. This variant is not present in population databases (gnomAD no frequency). This sequence change replaces glutamic acid, which is acidic and polar, with aspartic acid, which is acidic and polar, at codon 554 of the EXT2 protein (p.Glu554Asp). This variant also falls at the last nucleotide of exon 10, which is part of the consensus splice site for this exon. In summary, the available evidence is currently insufficient to determine the role of this variant in disease. Therefore, it has been classified as a Variant of Uncertain Significance.

Literature cited by the submitters: PubMed 17576681; PubMed 9536098.